The following is an entry in ClinVar:

NM_205850.3(SLC24A5):c.388G>A (p.Val130Ile)

Gene: SLC24A5 (solute carrier family 24 member 5; plus strand). Cytogenetic location: 15q21.1.
Variant type: single nucleotide variant.
Coding change: c.388G>A on transcript NM_205850.3 (MANE Select); coding-DNA position 388, G replaced by A.
Protein change: p.Val130Ile; replaces valine 130 with isoleucine.
Molecular consequence: missense variant.
Genome position (GRCh38, 1-based): chr15:48,134,437, G>A. VCF-style: chr15-48134437-G-A. GRCh37 (hg19) VCF-style: chr15-48426634-G-A.
Other names: short protein forms V130I.
Identifiers: ClinVar variation 2083148 (VCV002083148.2), dbSNP rs373773165, ClinGen allele CA7545866.

ClinVar aggregate classification (germline): Uncertain significance (1 of 4 stars; one submission).

Allele frequency attached by ClinVar (database versions not stated): gnomAD 0.00002; TOPMed 0.00003; ExAC 0.00007; ESP Exome Variant Server 0.00008.
gnomAD v4.1: 25 of 1,612,542 alleles (0.0016%); highest among the groups gnomAD compares: Admixed American, 0.027%; no homozygotes.

Submission:

Labcorp Genetics (formerly Invitae), Labcorp
Classification: Uncertain significance. Last evaluated: 2022-08-09. Review status: criteria provided, single submitter. Criteria: Invitae Variant Classification Sherloc (09022015). Collection method: clinical testing. Allele origin: germline.
Comment: In summary, the available evidence is currently insufficient to determine the role of this variant in disease. Therefore, it has been classified as a Variant of Uncertain Significance. Algorithms developed to predict the effect of missense changes on protein structure and function are either unavailable or do not agree on the potential impact of this missense change (SIFT: "Tolerated"; PolyPhen-2: "Possibly Damaging"; Align-GVGD: "Class C0"). This variant has not been reported in the literature in individuals affected with SLC24A5-related conditions. This variant is present in population databases (rs373773165, gnomAD 0.03%). This sequence change replaces valine, which is neutral and non-polar, with isoleucine, which is neutral and non-polar, at codon 130 of the SLC24A5 protein (p.Val130Ile).